The following is an entry in ClinVar:

ClinVar aggregate classification (germline): Pathogenic (1 of 4 stars; one submission).

Conditions:
Neurofibromatosis, type 1 (NF1). Also called: Neurofibromatosis, type I; Peripheral type neurofibromatosis; VON RECKLINGHAUSEN DISEASE; NEUROFIBROMATOSIS, TYPE I, SOMATIC. Identifiers: Orphanet 636, MedGen C0027831, MONDO:0018975, OMIM 162200. Disease mechanism: loss of function.

Submission:

Labcorp Genetics (formerly Invitae), Labcorp
Classification: Pathogenic for Neurofibromatosis, type 1. Last evaluated: 2023-06-16. Review status: criteria provided, single submitter. Criteria: Invitae Variant Classification Sherloc (09022015). Collection method: clinical testing. Allele origin: germline.
Comment: For these reasons, this variant has been classified as Pathogenic. This premature translational stop signal has been observed in individual(s) with neurofibromatosis type 1 (PMID: 25074460). This variant is not present in population databases (gnomAD no frequency). This sequence change creates a premature translational stop signal (p.Ala805Leufs*16) in the NF1 gene. It is expected to result in an absent or disrupted protein product. Loss-of-function variants in NF1 are known to be pathogenic (PMID: 10712197, 23913538).

Literature cited by the submitters: PubMed 25074460; PubMed 10712197; PubMed 23913538.

NM_001042492.3(NF1):c.2412del (p.Ala805fs)

Gene: NF1 (neurofibromin 1; plus strand). Cytogenetic location: 17q11.2.
Variant type: Deletion.
Coding change: c.2412del on transcript NM_001042492.3 (MANE Select); coding-DNA position 2412, one base deleted (T; older notation c.2412delT).
Protein change: p.Ala805fs; shifts the reading frame from alanine 805.
Molecular consequence: frameshift variant.
Genome position (GRCh38, 1-based): chr17:31,229,027, T deleted. VCF-style (leftmost placement, unchanged base first): chr17-31229026-CT-C. GRCh37 (hg19) VCF-style: chr17-29556044-CT-C.
Other names: c.2412delT, p.Ala805Leufs (NM_000267.4); short protein forms A805fs.
Identifiers: ClinVar variation 2736528 (VCV002736528.3), dbSNP rs2508181151, ClinGen allele CA2695225353.